The following is an entry in ClinVar:

NM_020433.5(JPH2):c.379+17G>A

Gene: JPH2 (junctophilin 2; minus strand). Cytogenetic location: 20q13.12.
Variant type: single nucleotide variant.
Coding change: c.379+17G>A on transcript NM_020433.5 (MANE Select); 17 bases into the intron after coding-DNA position 379, G replaced by A.
Molecular consequence: intron variant.
Genome position (GRCh38, 1-based): chr20:44,186,310, C>T on the plus strand (G>A on the coding strand, the complement: JPH2 is on the minus strand). VCF-style: chr20-44186310-C-T. GRCh37 (hg19) VCF-style: chr20-42814950-C-T.
Other names: c.379+17G>A (NM_175913.4).
Identifiers: ClinVar variation 512245 (VCV000512245.2), dbSNP rs765611071, ClinGen allele CA9868884.
Genomic context (GRCh38, chr20:44,186,310, plus strand): 5'-GCCTTTCCCACCCTCCACCAGGGTTTCTCACCCTCCCTGGCTCCACCCCACCTCTGCGGG[C>T]CCCCAGCTGGCCTCACCTCCATCAGCATAGGTCTCGGTGCCATAGCCGTCTTGCAGGCCA-3'

ClinVar aggregate classification (germline): Likely benign. Review status: criteria provided, multiple submitters, no conflicts (2 of 4 stars). 2 submissions from 2 submitters: Likely benign (2). Last evaluated 2026-02-04.

Conditions:
Hypertrophic cardiomyopathy. Also called: HYPERTROPHIC MYOCARDIOPATHY. Identifiers: Orphanet 217569, MedGen C0007194, MeSH D002312, MONDO:0005045, HP:0001639.

Allele frequency attached by ClinVar (database versions not stated): gnomAD exomes 0.00001; ExAC 0.00002.
gnomAD v4.1: 25 of 1,609,102 alleles (0.0016%); highest among the groups gnomAD compares: Non-Finnish European, 0.0021%; no homozygotes.

Submissions (2):

Labcorp Genetics (formerly Invitae), Labcorp
Classification: Likely benign for Hypertrophic cardiomyopathy. Last evaluated: 2026-02-04. Review status: criteria provided, single submitter. Criteria: Invitae Variant Classification Sherloc (09022015). Collection method: clinical testing. Allele origin: germline.

GeneDx
Classification: Likely benign. Last evaluated: 2017-09-21. Review status: criteria provided, single submitter. Criteria: GeneDx Variant Classification (06012015). Collection method: clinical testing. Allele origin: germline. Affected: yes.
Comment: This variant is considered likely benign or benign based on one or more of the following criteria: it is a conservative change, it occurs at a poorly conserved position in the protein, it is predicted to be benign by multiple in silico algorithms, and/or has population frequency not consistent with disease.